The following is an entry in ClinVar:

ClinVar aggregate classification (germline): Uncertain significance (1 of 4 stars; one submission).

Conditions:
Congenital disorder of glycosylation, type Iaa. Also called: Congenital disorder of glycosylation, type 1aa. Identifiers: MedGen C4310727, MONDO:0014904, OMIM 617082.

Allele frequency attached by ClinVar (database versions not stated): gnomAD 0.00001; TOPMed 0.00001.
gnomAD v4.1: 3 of 1,533,512 alleles (0.0002%); highest among the groups gnomAD compares: African/African-American, 0.0028%; no homozygotes.

Submission:

Labcorp Genetics (formerly Invitae), Labcorp
Classification: Uncertain significance for Congenital disorder of glycosylation, type Iaa. Last evaluated: 2023-08-17. Review status: criteria provided, single submitter. Criteria: Invitae Variant Classification Sherloc (09022015). Collection method: clinical testing. Allele origin: germline.
Comment: In summary, the available evidence is currently insufficient to determine the role of this variant in disease. Therefore, it has been classified as a Variant of Uncertain Significance. An algorithm developed to predict the effect of missense changes on protein structure and function (PolyPhen-2) suggests that this variant is likely to be tolerated. ClinVar contains an entry for this variant (Variation ID: 1980309). This variant has not been reported in the literature in individuals affected with NUS1-related conditions. This variant is not present in population databases (gnomAD no frequency). This sequence change replaces arginine, which is basic and polar, with glutamine, which is neutral and polar, at codon 70 of the NUS1 protein (p.Arg70Gln).

NM_138459.5(NUS1):c.209G>A (p.Arg70Gln)

Gene: NUS1 (NUS1 dehydrodolichyl diphosphate synthase subunit; plus strand). Cytogenetic location: 6q22.1.
Variant type: single nucleotide variant.
Coding change: c.209G>A on transcript NM_138459.5 (MANE Select); coding-DNA position 209, G replaced by A.
Protein change: p.Arg70Gln; replaces arginine 70 with glutamine.
Molecular consequence: missense variant.
Genome position (GRCh38, 1-based): chr6:117,675,879, G>A. VCF-style: chr6-117675879-G-A. GRCh37 (hg19) VCF-style: chr6-117997042-G-A.
Other names: short protein forms R70Q.
Identifiers: ClinVar variation 1980309 (VCV001980309.4), dbSNP rs1006753900, ClinGen allele CA146431387.